The following is an entry in ClinVar:

NM_001846.4(COL4A2):c.684+8G>A

Gene: COL4A2 (collagen type IV alpha 2 chain; plus strand). Cytogenetic location: 13q34.
Variant type: single nucleotide variant.
Coding change: c.684+8G>A on transcript NM_001846.4 (MANE Select); 8 bases into the intron after coding-DNA position 684, G replaced by A.
Molecular consequence: intron variant.
Genome position (GRCh38, 1-based): chr13:110,432,368, G>A. VCF-style: chr13-110432368-G-A. GRCh37 (hg19) VCF-style: chr13-111084715-G-A.
Identifiers: ClinVar variation 311109 (VCV000311109.17), dbSNP rs200682990, ClinGen allele CA7049038.

ClinVar aggregate classification (germline): Benign/Likely benign. Review status: criteria provided, multiple submitters, no conflicts (2 of 4 stars). 4 submissions from 4 submitters: Benign (2); Likely benign (1). 1 of the submissions does not count toward it. Last evaluated 2024-10-30.

Conditions:
Brain small vessel disease 2A, autosomal dominant. Also called: Porencephaly 2. Identifiers: Orphanet 2940, Orphanet 99810, MedGen C3280970, MONDO:0013773, OMIM 614483.
COL4A2-related disorder. Also called: COL4A2-related disorders; COL4A2-related condition.

Allele frequency attached by ClinVar (database versions not stated): gnomAD exomes 0.00005 and 0.00021; gnomAD 0.00011 and 0.00012; TOPMed 0.00015; ExAC 0.00021; 1000 Genomes Project 30x 0.00031; 1000 Genomes Project 0.00040.
gnomAD v4.1: 144 of 1,604,830 alleles (0.009%); highest among the groups gnomAD compares: East Asian, 0.19%; 2 homozygotes.

Submissions (4):

Labcorp Genetics (formerly Invitae), Labcorp
Classification: Benign. Last evaluated: 2024-10-30. Review status: criteria provided, single submitter. Criteria: Invitae Variant Classification Sherloc (09022015). Collection method: clinical testing. Allele origin: germline.

Blueprint Genetics
Classification: Likely benign. Last evaluated: 2024-10-28. Review status: criteria provided, single submitter. Criteria: ACMG Guidelines, 2015. Collection method: clinical testing. Allele origin: germline.

Illumina Laboratory Services, Illumina
Classification: Benign for Brain small vessel disease 2A, autosomal dominant. Last evaluated: 2018-01-12. Review status: criteria provided, single submitter. Criteria: ICSL Variant Classification Criteria 13 December 2019. Collection method: clinical testing. Allele origin: germline.
Comment: This variant was observed in the ICSL laboratory as part of a predisposition screen in an ostensibly healthy population. It had not been previously curated by ICSL or reported in the Human Gene Mutation Database (HGMD: prior to June 1st, 2018), and was therefore a candidate for classification through an automated scoring system. Utilizing variant allele frequency, disease prevalence and penetrance estimates, and inheritance mode, an automated score was calculated to assess if this variant is too frequent to cause the disease. Based on the score and internal cut-off values, a variant classified as benign is not then subjected to further curation. The score for this variant resulted in a classification of benign for this disease.

PreventionGenetics, part of Exact Sciences
Classification: Likely benign for COL4A2-related condition. Last evaluated: 2020-12-10. Review status: no assertion criteria provided. Collection method: clinical testing. Allele origin: germline. Not counted in ClinVar's aggregate classification.
Comment: This variant is classified as likely benign based on ACMG/AMP sequence variant interpretation guidelines (Richards et al. 2015 PMID: 25741868, with internal and published modifications).